The following is an entry in ClinVar:

NM_001035.3(RYR2):c.3516C>T (p.Thr1172=)

Gene: RYR2 (ryanodine receptor 2; plus strand). Cytogenetic location: 1q43.
Variant type: single nucleotide variant.
Coding change: c.3516C>T on transcript NM_001035.3 (MANE Select); coding-DNA position 3516, C replaced by T.
Protein change: p.Thr1172=; no amino-acid change (threonine 1172 retained).
Molecular consequence: synonymous variant.
Genome position (GRCh38, 1-based): chr1:237,569,237, C>T. VCF-style: chr1-237569237-C-T. GRCh37 (hg19) VCF-style: chr1-237732537-C-T.
Identifiers: ClinVar variation 3071783 (VCV003071783.1), dbSNP rs777058487, ClinGen allele CA086405.

ClinVar aggregate classification (germline): Likely benign (1 of 4 stars; one submission).

Conditions:
Catecholaminergic polymorphic ventricular tachycardia (CVPT). Also called: Catecholamine-induced polymorphic ventricular tachycardia. Identifiers: Orphanet 3286, MedGen C5574922, MONDO:0017990.

Allele frequency attached by ClinVar (database versions not stated): ExAC 0.00002.

Submission:

All of Us Research Program, National Institutes of Health
Classification: Likely benign for Catecholaminergic polymorphic ventricular tachycardia. Last evaluated: 2023-06-26. Review status: criteria provided, single submitter. Criteria: ACMG Guidelines, 2015. Collection method: clinical testing. Allele origin: germline. Inheritance: Autosomal dominant inheritance. Observed: 1 variant allele, 1 heterozygote.
Comment: This study involves interpretation of variants in research participants for the purpose of population health screening. Participant phenotype was not available at the time of variant classification. Additional details can be found in publication PMID: 35346344, PMCID: PMC8962531